The following is an entry in ClinVar:

ClinVar aggregate classification (germline): Uncertain significance. Review status: criteria provided, multiple submitters, no conflicts (2 of 4 stars). 3 submissions from 3 submitters: Uncertain significance (3). Last evaluated 2024-01-30.

Conditions:
Fanconi anemia complementation group I (FANCI). Also called: FANCI-Related Fanconi Anemia. Identifiers: Orphanet 84, MedGen C1836861, MONDO:0012186, OMIM 609053.
Fanconi anemia (FA). Also called: Fanconi's anemia. Identifiers: Orphanet 84, MedGen C0015625, MeSH D005199, MONDO:0019391.

Allele frequency attached by ClinVar (database versions not stated): gnomAD 0.00001 and 0.00002; TOPMed 0.00002; ExAC 0.00005; gnomAD exomes 0.00006 and 0.00016.
gnomAD v4.1: 236 of 1,614,142 alleles (0.015%); highest among the groups gnomAD compares: Non-Finnish European, 0.017%; no homozygotes.

Submissions (3):

Fulgent Genetics
Classification: Uncertain significance for Fanconi anemia complementation group I. Last evaluated: 2024-01-30. Review status: criteria provided, single submitter. Criteria: ACMG Guidelines, 2015. Collection method: clinical testing. Allele origin: germline.

Labcorp Genetics (formerly Invitae), Labcorp
Classification: Uncertain significance for Fanconi anemia. Last evaluated: 2022-09-19. Review status: criteria provided, single submitter. Criteria: Invitae Variant Classification Sherloc (09022015). Collection method: clinical testing. Allele origin: germline.
Comment: This sequence change replaces valine, which is neutral and non-polar, with isoleucine, which is neutral and non-polar, at codon 601 of the FANCI protein (p.Val601Ile). This variant is present in population databases (rs200007022, gnomAD 0.02%). This variant has not been reported in the literature in individuals affected with FANCI-related conditions. ClinVar contains an entry for this variant (Variation ID: 317279). Advanced modeling of protein sequence and biophysical properties (such as structural, functional, and spatial information, amino acid conservation, physicochemical variation, residue mobility, and thermodynamic stability) performed at Invitae indicates that this missense variant is not expected to disrupt FANCI protein function. In summary, the available evidence is currently insufficient to determine the role of this variant in disease. Therefore, it has been classified as a Variant of Uncertain Significance.

Illumina Laboratory Services, Illumina
Classification: Uncertain significance for Fanconi anemia complementation group I. Last evaluated: 2018-01-12. Review status: criteria provided, single submitter. Criteria: ICSL Variant Classification Criteria 13 December 2019. Collection method: clinical testing. Allele origin: germline.

NM_001113378.2(FANCI):c.1801G>A (p.Val601Ile)

Gene: FANCI (FA complementation group I; plus strand). Cytogenetic location: 15q26.1.
Variant type: single nucleotide variant.
Coding change: c.1801G>A on transcript NM_001113378.2 (MANE Select); coding-DNA position 1801, G replaced by A.
Protein change: p.Val601Ile; replaces valine 601 with isoleucine.
Molecular consequence: missense variant.
Genome position (GRCh38, 1-based): chr15:89,285,198, G>A. VCF-style: chr15-89285198-G-A. GRCh37 (hg19) VCF-style: chr15-89828429-G-A.
Other names: c.1522G>A, p.Val508Ile (NM_001376910.1); c.1801G>A, p.Val601Ile (NM_001376911.1, NM_018193.3); short protein forms V601I, V508I.
Identifiers: ClinVar variation 317279 (VCV000317279.9), dbSNP rs200007022, ClinGen allele CA7723157.
Genomic context (GRCh38, chr15:89,285,198, plus strand): 5'-GAAACTTTTTGCCTTGAGATCATGGATAGTTTGAGGAGATGCTTAAGCCAGCAAGCTGAT[G>A]TTCGACTCATGCTTTATGAGGTAAGTCCGTAGAATGGAAAGAATGTAGCAAAACCCCAAC-3'
Protein context (NP_001106849.1, residues 591-611): LRRCLSQQAD[Val601Ile]RLMLYEGFYD